The following is an entry in ClinVar:

ClinVar aggregate classification (germline): Uncertain significance (1 of 4 stars; one submission).

Submission:

Labcorp Genetics (formerly Invitae), Labcorp
Classification: Uncertain significance. Last evaluated: 2024-07-30. Review status: criteria provided, single submitter. Criteria: Invitae Variant Classification Sherloc (09022015). Collection method: clinical testing. Allele origin: germline.
Comment: This sequence change replaces proline, which is neutral and non-polar, with glutamine, which is neutral and polar, at codon 522 of the FREM1 protein (p.Pro522Gln). This variant is not present in population databases (gnomAD no frequency). This variant has not been reported in the literature in individuals affected with FREM1-related conditions. Advanced modeling of protein sequence and biophysical properties (such as structural, functional, and spatial information, amino acid conservation, physicochemical variation, residue mobility, and thermodynamic stability) performed at Invitae indicates that this missense variant is expected to disrupt FREM1 protein function with a positive predictive value of 80%. In summary, the available evidence is currently insufficient to determine the role of this variant in disease. Therefore, it has been classified as a Variant of Uncertain Significance.

NM_001379081.2(FREM1):c.1565C>A (p.Pro522Gln)

Gene: FREM1 (FRAS1 related extracellular matrix 1; minus strand). Cytogenetic location: 9p22.3.
Variant type: single nucleotide variant.
Coding change: c.1565C>A on transcript NM_001379081.2 (MANE Select); coding-DNA position 1565, C replaced by A.
Protein change: p.Pro522Gln; replaces proline 522 with glutamine.
Molecular consequence: missense variant. On other transcripts: non-coding transcript variant (2).
Genome position (GRCh38, 1-based): chr9:14,842,489, G>T on the plus strand (C>A on the coding strand, the complement: FREM1 is on the minus strand). VCF-style: chr9-14842489-G-T. GRCh37 (hg19) VCF-style: chr9-14842487-G-T.
Other names: c.1565C>A, p.Pro522Gln (NM_144966.7); short protein forms P522Q.
Identifiers: ClinVar variation 3660885 (VCV003660885.2).